The following is an entry in ClinVar:

ClinVar aggregate classification (germline): Conflicting classifications of pathogenicity. Review status: criteria provided, conflicting classifications (1 of 4 stars). 3 submissions from 3 submitters: Uncertain significance (2); Likely benign (1). Last evaluated 2025-12-03.

Conditions:
Inborn genetic diseases. Identifiers: MedGen C0950123, MeSH D030342.

Allele frequency attached by ClinVar (database versions not stated): ExAC 0.00001; gnomAD 0.00001 and 0.00002; gnomAD exomes 0.00001; TOPMed 0.00004.
gnomAD v4.1: 13 of 1,611,094 alleles (0.00081%); highest among the groups gnomAD compares: Admixed American, 0.005%; no homozygotes.

Submissions (3):

Ambry Genetics
Classification: Uncertain significance for Inborn genetic diseases. Last evaluated: 2025-12-03. Review status: criteria provided, single submitter. Criteria: Ambry Variant Classification Scheme 2023. Collection method: clinical testing. Allele origin: germline.

Blueprint Genetics
Classification: Likely benign. Last evaluated: 2024-06-21. Review status: criteria provided, single submitter. Criteria: ACMG Guidelines, 2015. Collection method: clinical testing. Allele origin: germline.

Labcorp Genetics (formerly Invitae), Labcorp
Classification: Uncertain significance. Last evaluated: 2022-07-19. Review status: criteria provided, single submitter. Criteria: Invitae Variant Classification Sherloc (09022015). Collection method: clinical testing. Allele origin: germline.
Comment: In summary, the available evidence is currently insufficient to determine the role of this variant in disease. Therefore, it has been classified as a Variant of Uncertain Significance. Algorithms developed to predict the effect of sequence changes on RNA splicing suggest that this variant may disrupt the consensus splice site. Algorithms developed to predict the effect of missense changes on protein structure and function output the following: SIFT: "Tolerated"; PolyPhen-2: "Benign"; Align-GVGD: "Class C0". The isoleucine amino acid residue is found in multiple mammalian species, which suggests that this missense change does not adversely affect protein function. ClinVar contains an entry for this variant (Variation ID: 1356973). This variant has not been reported in the literature in individuals affected with RNASEH1-related conditions. This variant is present in population databases (rs781440231, gnomAD 0.003%). This sequence change replaces valine, which is neutral and non-polar, with isoleucine, which is neutral and non-polar, at codon 128 of the RNASEH1 protein (p.Val128Ile).

NM_002936.6(RNASEH1):c.382G>A (p.Val128Ile)

Gene: RNASEH1 (ribonuclease H1; minus strand). Cytogenetic location: 2p25.3.
Variant type: single nucleotide variant.
Coding change: c.382G>A on transcript NM_002936.6 (MANE Select); coding-DNA position 382, G replaced by A.
Protein change: p.Val128Ile; replaces valine 128 with isoleucine.
Molecular consequence: missense variant. On other transcripts: non-coding transcript variant (6).
Genome position (GRCh38, 1-based): chr2:3,552,171, C>T on the plus strand (G>A on the coding strand, the complement: RNASEH1 is on the minus strand). VCF-style: chr2-3552171-C-T. GRCh37 (hg19) VCF-style: chr2-3599761-C-T.
Other names: c.304G>A, p.Val102Ile (NM_001286834.3); c.31G>A, p.Val11Ile (NM_001286837.3); c.382G>A, p.Val128Ile (NM_001378271.1, NM_001378272.1, NM_001378273.1); c.382G>A (NM_002936.3); short protein forms V102I, V11I, V128I.
Identifiers: ClinVar variation 1356973 (VCV001356973.9), dbSNP rs781440231, ClinGen allele CA1516297.